The following is an entry in ClinVar:

ClinVar aggregate classification (germline): Benign/Likely benign. Review status: criteria provided, multiple submitters, no conflicts (2 of 4 stars). 3 submissions from 3 submitters: Benign (1); Likely benign (2). Last evaluated 2025-03-25.

Conditions:
Hereditary cancer-predisposing syndrome. Also called: Hereditary Cancer Syndrome; Neoplastic Syndromes, Hereditary; Tumor predisposition; Hereditary neoplastic syndrome. Identifiers: Orphanet 140162, MedGen C0027672, MeSH D009386, MONDO:0015356.
Peutz-Jeghers syndrome (PJS). Also called: POLYPOSIS, HAMARTOMATOUS INTESTINAL; POLYPS-AND-SPOTS SYNDROME; Peutz-Jeghers polyposis; Periorificial lentiginosis syndrome. Identifiers: Orphanet 2869, MedGen C0031269, MeSH D010580, MONDO:0008280, OMIM 175200.

Submissions (3):

Myriad Genetics, Inc.
Classification: Benign for Peutz-Jeghers syndrome. Last evaluated: 2025-03-25. Review status: criteria provided, single submitter. Criteria: Myriad Autosomal Dominant, Autosomal Recessive and X-Linked Classification Criteria (2023). Collection method: clinical testing. Allele origin: unknown.
Comment: This variant is considered benign. This variant is a silent/synonymous amino acid change and it is not expected to impact splicing.

Labcorp Genetics (formerly Invitae), Labcorp
Classification: Likely benign for Peutz-Jeghers syndrome. Last evaluated: 2023-04-03. Review status: criteria provided, single submitter. Criteria: Invitae Variant Classification Sherloc (09022015). Collection method: clinical testing. Allele origin: germline.

Ambry Genetics
Classification: Likely benign for Hereditary cancer-predisposing syndrome. Last evaluated: 2014-12-24. Review status: criteria provided, single submitter. Criteria: Ambry Variant Classification Scheme 2023. Collection method: clinical testing. Allele origin: germline.

NM_000455.5(STK11):c.117C>G (p.Arg39=)

Gene: STK11 (serine/threonine kinase 11; plus strand). Cytogenetic location: 19p13.3.
Variant type: single nucleotide variant.
Coding change: c.117C>G on transcript NM_000455.5 (MANE Select); coding-DNA position 117, C replaced by G.
Protein change: p.Arg39=; no amino-acid change (arginine 39 retained).
Molecular consequence: synonymous variant.
Genome position (GRCh38, 1-based): chr19:1,207,030, C>G. VCF-style: chr19-1207030-C-G. GRCh37 (hg19) VCF-style: chr19-1207029-C-G.
Identifiers: ClinVar variation 187710 (VCV000187710.9), dbSNP rs786203942, ClinGen allele CA022406.